The following is an entry in ClinVar:

ClinVar aggregate classification (germline): Benign (0 of 4 stars; one submission).

Conditions:
TRIM36-related disorder. Also called: TRIM36-related condition.

Allele frequency attached by ClinVar (database versions not stated): ESP Exome Variant Server 0.03338; TOPMed 0.07459; ExAC 0.11506; 1000 Genomes Project 30x 0.15662; 1000 Genomes Project 0.16034.
gnomAD v4.1: 85,854 of 1,533,966 alleles (5.6%); highest among the groups gnomAD compares: East Asian, 33%; 5,653 homozygotes.

Submission:

PreventionGenetics, part of Exact Sciences
Classification: Benign for TRIM36-related condition. Last evaluated: 2019-11-06. Review status: no assertion criteria provided. Collection method: clinical testing. Allele origin: germline.
Comment: This variant is classified as benign based on ACMG/AMP sequence variant interpretation guidelines (Richards et al. 2015 PMID: 25741868, with internal and published modifications).

NM_001300759.2(TRIM36):c.1211-7C>T

Gene: TRIM36 (tripartite motif containing 36; minus strand). Cytogenetic location: 5q22.3.
Variant type: single nucleotide variant.
Coding change: c.1211-7C>T on transcript NM_001300759.2 (MANE Select); 7 bases into the intron before coding-DNA position 1211, C replaced by T.
Molecular consequence: intron variant.
Genome position (GRCh38, 1-based): chr5:115,134,154, G>A on the plus strand (C>T on the coding strand, the complement: TRIM36 is on the minus strand). VCF-style: chr5-115134154-G-A. GRCh37 (hg19) VCF-style: chr5-114469851-G-A.
Other names: c.782-7C>T (NM_001300752.2); c.1247-7C>T (NM_018700.4).
Identifiers: ClinVar variation 3059952 (VCV003059952.2), dbSNP rs17137483, ClinGen allele CA3373438.
Genomic context (GRCh38, chr5:115,134,154, plus strand): 5'-AGGCATTGTTATAAACTTTGCTCTGTTCCTCATTGATCTCTGGCACGTCTATGCCTGAAA[G>A]AATTATGAAATAGAAAACAACATTAAAATATTGACATTTGAAAACCAGTGTTTTTCCTCA-3'